The following is an entry in ClinVar:

ClinVar aggregate classification (germline): Pathogenic (1 of 4 stars; one submission).

Submission:

Labcorp Genetics (formerly Invitae), Labcorp
Classification: Pathogenic. Last evaluated: 2024-11-19. Review status: criteria provided, single submitter. Criteria: Invitae Variant Classification Sherloc (09022015). Collection method: clinical testing. Allele origin: germline.
Comment: This sequence change creates a premature translational stop signal (p.Glu387*) in the PEPD gene. It is expected to result in an absent or disrupted protein product. Loss-of-function variants in PEPD are known to be pathogenic (PMID: 8198124, 10721675, 12384772, 17142620). This variant is not present in population databases (gnomAD no frequency). This variant has not been reported in the literature in individuals affected with PEPD-related conditions. For these reasons, this variant has been classified as Pathogenic.

Literature cited by the submitters: PubMed 8198124; PubMed 10721675; PubMed 12384772; PubMed 17142620.

NM_000285.4(PEPD):c.1159G>T (p.Glu387Ter)

Gene: PEPD (peptidase D; minus strand). Cytogenetic location: 19q13.11.
Variant type: single nucleotide variant.
Coding change: c.1159G>T on transcript NM_000285.4 (MANE Select); coding-DNA position 1159, G replaced by T.
Protein change: p.Glu387Ter; replaces glutamic acid 387 with a stop codon.
Molecular consequence: nonsense.
Genome position (GRCh38, 1-based): chr19:33,388,075, C>A on the plus strand (G>T on the coding strand, the complement: PEPD is on the minus strand). VCF-style: chr19-33388075-C-A. GRCh37 (hg19) VCF-style: chr19-33878981-C-A.
Other names: c.1036G>T, p.Glu346Ter (NM_001166056.2); c.967G>T, p.Glu323Ter (NM_001166057.2); short protein forms E387*, E346*, E323*.
Identifiers: ClinVar variation 3716871 (VCV003716871.2).
Genomic context (GRCh38, chr19:33,388,075, plus strand): 5'-TGCCTGGCTGCAGGTGCCGTGCAGTGCGCAGGCTCCGCAGGCCGGGCTCGTCGATGCGCT[C>A]CACGCCCTGTGGGGAACAGAGGTGAGGGGCCTGATGAGCAGCTCCAGGGCTCACCGTGGC-3'